The following is an entry in ClinVar:

NM_006206.6(PDGFRA):c.3154A>T (p.Thr1052Ser)

Gene: PDGFRA (platelet derived growth factor receptor alpha; plus strand). Cytogenetic location: 4q12.
Variant type: single nucleotide variant.
Coding change: c.3154A>T on transcript NM_006206.6 (MANE Select); coding-DNA position 3154, A replaced by T.
Protein change: p.Thr1052Ser; replaces threonine 1052 with serine.
Molecular consequence: missense variant.
Genome position (GRCh38, 1-based): chr4:54,295,156, A>T. VCF-style: chr4-54295156-A-T. GRCh37 (hg19) VCF-style: chr4-55161323-A-T.
Other names: c.3229A>T, p.Thr1077Ser (NM_001347828.2); c.3154A>T, p.Thr1052Ser (NM_001347829.2); c.3193A>T, p.Thr1065Ser (NM_001347830.2); short protein forms T1052S, T1065S, T1077S.
Identifiers: ClinVar variation 528608 (VCV000528608.13), dbSNP rs1215904714, ClinGen allele CA356896512.

ClinVar aggregate classification (germline): Uncertain significance. Review status: criteria provided, multiple submitters, no conflicts (2 of 4 stars). 2 submissions from 2 submitters: Uncertain significance (2). Last evaluated 2025-09-07.

Conditions:
Hereditary cancer-predisposing syndrome. Also called: Tumor predisposition; Hereditary neoplastic syndrome; Hereditary Cancer Syndrome; Neoplastic Syndromes, Hereditary. Identifiers: Orphanet 140162, MedGen C0027672, MeSH D009386, MONDO:0015356.
Gastrointestinal stromal tumor. Also called: Gastrointestinal stroma tumor; Gastrointestinal stromal tumor, somatic. Identifiers: Orphanet 44890, MedGen C0238198, MeSH D046152, MONDO:0011719, OMIM 606764, HP:0100723.

Allele frequency attached by ClinVar (database versions not stated): TOPMed 0.00002.

Submissions (2):

Labcorp Genetics (formerly Invitae), Labcorp
Classification: Uncertain significance for Gastrointestinal stromal tumor. Last evaluated: 2025-09-07. Review status: criteria provided, single submitter. Criteria: Invitae Variant Classification Sherloc (09022015). Collection method: clinical testing. Allele origin: germline.
Comment: This sequence change replaces threonine, which is neutral and polar, with serine, which is neutral and polar, at codon 1052 of the PDGFRA protein (p.Thr1052Ser). This variant is not present in population databases (gnomAD no frequency). This missense change has been observed in individual(s) with vitiligo (PMID: 20169295). ClinVar contains an entry for this variant (Variation ID: 528608). Invitae Evidence Modeling of protein sequence and biophysical properties (such as structural, functional, and spatial information, amino acid conservation, physicochemical variation, residue mobility, and thermodynamic stability) indicates that this missense variant is not expected to disrupt PDGFRA protein function with a negative predictive value of 80%. In summary, the available evidence is currently insufficient to determine the role of this variant in disease. Therefore, it has been classified as a Variant of Uncertain Significance.

Ambry Genetics
Classification: Uncertain significance for Hereditary cancer-predisposing syndrome. Last evaluated: 2025-03-10. Review status: criteria provided, single submitter. Criteria: Ambry Variant Classification Scheme 2023. Collection method: clinical testing. Allele origin: germline.
Comment: The p.T1052S variant (also known as c.3154A>T), located in coding exon 22 of the PDGFRA gene, results from an A to T substitution at nucleotide position 3154. The threonine at codon 1052 is replaced by serine, an amino acid with similar properties. This amino acid position is highly conserved in available vertebrate species. In addition, the in silico prediction for this alteration is inconclusive. Based on the available evidence, the clinical significance of this variant remains unclear.

Literature cited by the submitters: PubMed 20169295 (cited by Labcorp Genetics (formerly Invitae), Labcorp).